The following is an entry in ClinVar:

NM_018489.3(ASH1L):c.2722C>T (p.Leu908=)

Gene: ASH1L (ASH1 like histone lysine methyltransferase; minus strand). Cytogenetic location: 1q22.
Variant type: single nucleotide variant.
Coding change: c.2722C>T on transcript NM_018489.3 (MANE Select); coding-DNA position 2722, C replaced by T.
Protein change: p.Leu908=; no amino-acid change (leucine 908 retained).
Molecular consequence: synonymous variant.
Genome position (GRCh38, 1-based): chr1:155,480,148, G>A on the plus strand (C>T on the coding strand, the complement: ASH1L is on the minus strand). VCF-style: chr1-155480148-G-A. GRCh37 (hg19) VCF-style: chr1-155449939-G-A.
Other names: c.2722C>T, p.Leu908= (NM_001366177.2).
Identifiers: ClinVar variation 3388352 (VCV003388352.14).

ClinVar aggregate classification (germline): Likely benign (1 of 4 stars; one submission).

gnomAD v4.1: 30 of 1,614,038 alleles (0.0019%); highest among the groups gnomAD compares: Non-Finnish European, 0.0025%; no homozygotes.

Submission:

CeGaT Center for Human Genetics Tuebingen
Classification: Likely benign. Last evaluated: 2024-09-01. Review status: criteria provided, single submitter. Criteria: CeGaT Center For Human Genetics Tuebingen Variant Classification Criteria Version 2. Collection method: clinical testing. Allele origin: germline. Affected: yes. Observed: 1 variant allele.
Comment: ASH1L: BP4